The following is an entry in ClinVar:

ClinVar aggregate classification (germline): Uncertain significance (1 of 4 stars; one submission).

Conditions:
Cardiovascular phenotype. Identifiers: MedGen CN230736.

gnomAD v4.1: 12 of 1,613,758 alleles (0.00074%); highest among the groups gnomAD compares: South Asian, 0.0099%; no homozygotes.

Submission:

Ambry Genetics
Classification: Uncertain significance for Cardiovascular phenotype. Last evaluated: 2025-11-25. Review status: criteria provided, single submitter. Criteria: Ambry Variant Classification Scheme 2023. Collection method: clinical testing. Allele origin: germline.
Comment: The p.H1243P variant (also known as c.3728A>C), located in coding exon 21 of the FLNC gene, results from an A to C substitution at nucleotide position 3728. The histidine at codon 1243 is replaced by proline, an amino acid with similar properties. This amino acid position is conserved. In addition, the in silico prediction for this alteration is inconclusive. Based on the available evidence, the clinical significance of this variant remains unclear.

NM_001458.5(FLNC):c.3728A>C (p.His1243Pro)

Gene: FLNC (filamin C; plus strand). Cytogenetic location: 7q32.1.
Variant type: single nucleotide variant.
Coding change: c.3728A>C on transcript NM_001458.5 (MANE Select); coding-DNA position 3728, A replaced by C.
Protein change: p.His1243Pro; replaces histidine 1243 with proline.
Molecular consequence: missense variant.
Genome position (GRCh38, 1-based): chr7:128,845,193, A>C. VCF-style: chr7-128845193-A-C. GRCh37 (hg19) VCF-style: chr7-128485247-A-C.
Other names: c.3728A>C, p.His1243Pro (NM_001127487.2); short protein forms H1243P.
Identifiers: ClinVar variation 4614204 (VCV004614204.1).